The following is an entry in ClinVar:

ClinVar aggregate classification (germline): Uncertain significance (1 of 4 stars; one submission).

Conditions:
Cardiovascular phenotype. Identifiers: MedGen CN230736.

Submission:

Ambry Genetics
Classification: Uncertain significance for Cardiovascular phenotype. Last evaluated: 2025-06-10. Review status: criteria provided, single submitter. Criteria: Ambry Variant Classification Scheme 2023. Collection method: clinical testing. Allele origin: germline.
Comment: The p.H1090Y variant (also known as c.3268C>T), located in coding exon 22 of the ABCA1 gene, results from a C to T substitution at nucleotide position 3268. The histidine at codon 1090 is replaced by tyrosine, an amino acid with similar properties. This amino acid position is conserved. In addition, this alteration is predicted to be deleterious by in silico analysis. Based on the available evidence, the clinical significance of this variant remains unclear.

NM_005502.4(ABCA1):c.3268C>T (p.His1090Tyr)

Gene: ABCA1 (ATP binding cassette subfamily A member 1; minus strand). Cytogenetic location: 9q31.1.
Variant type: single nucleotide variant.
Coding change: c.3268C>T on transcript NM_005502.4 (MANE Select); coding-DNA position 3268, C replaced by T.
Protein change: p.His1090Tyr; replaces histidine 1090 with tyrosine.
Molecular consequence: missense variant.
Genome position (GRCh38, 1-based): chr9:104,818,857, G>A on the plus strand (C>T on the coding strand, the complement: ABCA1 is on the minus strand). VCF-style: chr9-104818857-G-A. GRCh37 (hg19) VCF-style: chr9-107581138-G-A.
Other names: short protein forms H1090Y.
Identifiers: ClinVar variation 3936792 (VCV003936792.1).